The following is an entry in ClinVar:

ClinVar aggregate classification (germline): Uncertain significance (1 of 4 stars; one submission).

Conditions:
CAMTA1-related disorder. Also called: CAMTA1-related condition.

Submission:

PreventionGenetics, part of Exact Sciences
Classification: Uncertain significance for CAMTA1-related condition. Last evaluated: 2023-05-31. Review status: criteria provided, single submitter. Criteria: ACMG Guidelines, 2015. Collection method: clinical testing. Allele origin: germline.
Comment: The CAMTA1 c.1171G>A variant is predicted to result in the amino acid substitution p.Gly391Arg. To our knowledge, this variant has not been reported in the literature or in a large population database, indicating this variant is rare. At this time, the clinical significance of this variant is uncertain due to the absence of conclusive functional and genetic evidence.

NM_015215.4(CAMTA1):c.1171G>A (p.Gly391Arg)

Gene: CAMTA1 (calmodulin binding transcription activator 1; plus strand). Cytogenetic location: 1p36.23.
Variant type: single nucleotide variant.
Coding change: c.1171G>A on transcript NM_015215.4 (MANE Select); coding-DNA position 1171, G replaced by A.
Protein change: p.Gly391Arg; replaces glycine 391 with arginine.
Molecular consequence: missense variant.
Genome position (GRCh38, 1-based): chr1:7,663,718, G>A. VCF-style: chr1-7663718-G-A. GRCh37 (hg19) VCF-style: chr1-7723778-G-A.
Other names: c.1081G>A, p.Gly361Arg (NM_001349608.2, NM_001349612.2); c.1171G>A, p.Gly391Arg (NM_001349609.2, NM_001349610.2, NM_001410737.1); c.1099G>A, p.Gly367Arg (NM_001410738.1); short protein forms G361R, G367R, G391R.
Identifiers: ClinVar variation 2632799 (VCV002632799.1), dbSNP rs2523709971, ClinGen allele CA338125742.